The following is an entry in ClinVar:

NM_000234.3(LIG1):c.746G>A (p.Gly249Glu)

Gene: LIG1 (DNA ligase 1; minus strand). Cytogenetic location: 19q13.33.
Variant type: single nucleotide variant.
Coding change: c.746G>A on transcript NM_000234.3 (MANE Select); coding-DNA position 746, G replaced by A.
Protein change: p.Gly249Glu; replaces glycine 249 with glutamic acid.
Molecular consequence: missense variant. On other transcripts: non-coding transcript variant (6).
Genome position (GRCh38, 1-based): chr19:48,149,793, C>T on the plus strand (G>A on the coding strand, the complement: LIG1 is on the minus strand). VCF-style: chr19-48149793-C-T. GRCh37 (hg19) VCF-style: chr19-48653050-C-T.
Other names: c.653G>A, p.Gly218Glu (NM_001289063.2); c.542G>A, p.Gly181Glu (NM_001289064.2); c.743G>A, p.Gly248Glu (NM_001320970.2); c.656G>A, p.Gly219Glu (NM_001320971.2); c.746G>A (NM_000234.2); short protein forms G181E, G218E, G219E, G248E, G249E.
Identifiers: ClinVar variation 1633427 (VCV001633427.10), dbSNP rs3730911, ClinGen allele CA9547145.
Genomic context (GRCh38, chr19:48,149,793, plus strand): 5'-GAACCTTTCCAGACCTGGACACTGACTCACCCCTCAGCAGCTCCCTCCTTTCCTGGAGCC[C>T]CTGGCTCCTCTTCCTTCACTTCTTTTTTGACTGCTGGCTTCCGGGGGGCTAGGAATGAAG-3'
Protein context (NP_000225.1, residues 239-259): VKKEVKEEEP[Gly249Glu]APGKEGAAEG

ClinVar aggregate classification (germline): Benign. Review status: criteria provided, single submitter (1 of 4 stars). 2 submissions from 2 submitters: Benign (1). 1 of the submissions does not count toward it. Last evaluated 2026-01-05.

Conditions:
LIG1-related disorder. Also called: LIG1-related condition.

Allele frequency attached by ClinVar (database versions not stated): gnomAD exomes 0.00023 and 0.00120; gnomAD 0.00036 and 0.00045; TOPMed 0.00065; ExAC 0.00106; 1000 Genomes Project 30x 0.00203; 1000 Genomes Project 0.00240.
gnomAD v4.1: 442 of 1,614,096 alleles (0.027%); highest among the groups gnomAD compares: East Asian, 0.84%; 4 homozygotes.

Submissions (2):

Labcorp Genetics (formerly Invitae), Labcorp
Classification: Benign. Last evaluated: 2026-01-05. Review status: criteria provided, single submitter. Criteria: Invitae Variant Classification Sherloc (09022015). Collection method: clinical testing. Allele origin: germline.

PreventionGenetics, part of Exact Sciences
Classification: Benign for LIG1-related condition. Last evaluated: 2020-11-10. Review status: no assertion criteria provided. Collection method: clinical testing. Allele origin: germline. Not counted in ClinVar's aggregate classification.
Comment: This variant is classified as benign based on ACMG/AMP sequence variant interpretation guidelines (Richards et al. 2015 PMID: 25741868, with internal and published modifications).